The following is an entry in ClinVar:

ClinVar aggregate classification (germline): Uncertain significance (1 of 4 stars; one submission).

Conditions:
Progressive microcephaly-seizures-cortical blindness-developmental delay syndrome. Also called: Seizures, cortical blindness, and microcephaly syndrome. Identifiers: Orphanet 477814, MedGen C5567650, MONDO:0014714, OMIM 616632.
Autosomal dominant nonsyndromic hearing loss 1. Also called: KONIGSMARK SYNDROME; DEAFNESS, AUTOSOMAL DOMINANT 1, WITH OR WITHOUT THROMBOCYTOPENIA. Identifiers: Orphanet 90635, MedGen C1852282, MONDO:0007424, OMIM 124900.

gnomAD v4.1: 1 of 1,614,172 alleles (0.000062%); highest among the groups gnomAD compares: Non-Finnish European, 0.000085%; no homozygotes.

Submission:

Labcorp Genetics (formerly Invitae), Labcorp
Classification: Uncertain significance for Progressive microcephaly-seizures-cortical blindness-developmental delay syndrome; Autosomal dominant nonsyndromic hearing loss 1. Last evaluated: 2022-11-08. Review status: criteria provided, single submitter. Criteria: Invitae Variant Classification Sherloc (09022015). Collection method: clinical testing. Allele origin: germline.
Comment: In summary, the available evidence is currently insufficient to determine the role of this variant in disease. Therefore, it has been classified as a Variant of Uncertain Significance. Algorithms developed to predict the effect of missense changes on protein structure and function output the following: SIFT: "Tolerated"; PolyPhen-2: "Benign"; Align-GVGD: "Class C0". The aspartic acid amino acid residue is found in multiple mammalian species, which suggests that this missense change does not adversely affect protein function. This variant has not been reported in the literature in individuals affected with DIAPH1-related conditions. This variant is not present in population databases (gnomAD no frequency). This sequence change replaces asparagine, which is neutral and polar, with aspartic acid, which is acidic and polar, at codon 1102 of the DIAPH1 protein (p.Asn1102Asp).

NM_005219.5(DIAPH1):c.3304A>G (p.Asn1102Asp)

Gene: DIAPH1 (diaphanous related formin 1; minus strand). Cytogenetic location: 5q31.3.
Variant type: single nucleotide variant.
Coding change: c.3304A>G on transcript NM_005219.5 (MANE Select); coding-DNA position 3304, A replaced by G.
Protein change: p.Asn1102Asp; replaces asparagine 1102 with aspartic acid.
Molecular consequence: missense variant.
Genome position (GRCh38, 1-based): chr5:141,526,431, T>C on the plus strand (A>G on the coding strand, the complement: DIAPH1 is on the minus strand). VCF-style: chr5-141526431-T-C. GRCh37 (hg19) VCF-style: chr5-140905998-T-C.
Other names: c.3277A>G, p.Asn1093Asp (NM_001079812.3); c.3304A>G, p.Asn1102Asp (NM_001314007.2); short protein forms N1102D, N1093D.
Identifiers: ClinVar variation 2940038 (VCV002940038.3), dbSNP rs1295292136, ClinGen allele CA361579196.